The following is an entry in ClinVar:

NM_080680.3(COL11A2):c.4545G>A (p.Ser1515=)

Gene: COL11A2 (collagen type XI alpha 2 chain; minus strand). Cytogenetic location: 6p21.32.
Variant type: single nucleotide variant.
Coding change: c.4545G>A on transcript NM_080680.3 (MANE Select); coding-DNA position 4545, G replaced by A.
Protein change: p.Ser1515=; no amino-acid change (serine 1515 retained).
Molecular consequence: synonymous variant.
Genome position (GRCh38, 1-based): chr6:33,165,754, C>T on the plus strand (G>A on the coding strand, the complement: COL11A2 is on the minus strand). VCF-style: chr6-33165754-C-T. GRCh37 (hg19) VCF-style: chr6-33133531-C-T.
Other names: c.4224G>A, p.Ser1408= (NM_080679.3); c.4287G>A, p.Ser1429= (NM_080681.3).
Identifiers: ClinVar variation 667099 (VCV000667099.42), dbSNP rs367885056, ClinGen allele CA3750051.
Genomic context (GRCh38, chr6:33,165,754, plus strand): 5'-GCCGGGGGCTCCCCCGGTCGGTATGGCCTCATCTTCCTGCATCAGACGGCTTCCATCCAC[C>T]GAGCGCCGAGTCTTCTTGGGCATCTGAATGGGCAGTGGCTGGATCACCTCGCCTGGGGGA-3'
Protein context (NP_542411.2, residues 1505-1525): PIQMPKKTRR[Ser1515=]VDGSRLMQED

ClinVar aggregate classification (germline): Likely benign. Review status: criteria provided, multiple submitters, no conflicts (2 of 4 stars). 7 submissions from 7 submitters: Likely benign (6). 1 of the submissions does not count toward it. Last evaluated 2026-02-01.

Conditions:
COL11A2-related disorder. Also called: COL11A2-related condition; COL11A2-related disorders.

Allele frequency attached by ClinVar (database versions not stated): gnomAD 0.00005 and 0.00006; TOPMed 0.00006; gnomAD exomes 0.00007 and 0.00016; ESP Exome Variant Server 0.00015; ExAC 0.00022; 1000 Genomes Project 30x 0.00031; 1000 Genomes Project 0.00040.
gnomAD v4.1: 116 of 1,612,470 alleles (0.0072%); highest among the groups gnomAD compares: South Asian, 0.091%; no homozygotes.

Submissions (7):

Labcorp Genetics (formerly Invitae), Labcorp
Classification: Likely benign. Last evaluated: 2026-02-01. Review status: criteria provided, single submitter. Criteria: Invitae Variant Classification Sherloc (09022015). Collection method: clinical testing. Allele origin: germline.

Women's Health and Genetics/Laboratory Corporation of America, LabCorp
Classification: Likely benign. Last evaluated: 2025-12-09. Review status: criteria provided, single submitter. Criteria: LabCorp Variant Classification Summary - May 2015. Collection method: clinical testing. Allele origin: germline.

CeGaT Center for Human Genetics Tuebingen
Classification: Likely benign. Last evaluated: 2024-12-01. Review status: criteria provided, single submitter. Criteria: CeGaT Center For Human Genetics Tuebingen Variant Classification Criteria Version 2. Collection method: clinical testing. Allele origin: germline. Affected: yes. Observed: 2 variant alleles.
Comment: COL11A2: BP4, BP7

Blueprint Genetics
Classification: Likely benign. Last evaluated: 2023-03-30. Review status: criteria provided, single submitter. Criteria: ACMG Guidelines, 2015. Collection method: clinical testing. Allele origin: germline.

GeneDx
Classification: Likely benign. Last evaluated: 2020-10-30. Review status: criteria provided, single submitter. Criteria: GeneDx Variant Classification Process June 2021. Collection method: clinical testing. Allele origin: germline. Affected: yes.

Laboratory for Molecular Medicine, Mass General Brigham Personalized Medicine
Classification: Likely benign. Last evaluated: 2012-04-30. Review status: criteria provided, single submitter. Criteria: LMM Criteria. Collection method: clinical testing. Allele origin: germline. Observed: 1 variant allele.
Comment: Ser1515Ser in Exon 63 of COL11A2: This variant is not expected to have clinical significance because it does not alter an amino acid residue, is not located wit hin the splice consensus sequence, and has been identified in 2/7020 European Am erican chromosomes from a broad population by the NHLBI Exome Sequencing Project.

PreventionGenetics, part of Exact Sciences
Classification: Likely benign for COL11A2-related condition. Last evaluated: 2020-09-21. Review status: no assertion criteria provided. Collection method: clinical testing. Allele origin: germline. Not counted in ClinVar's aggregate classification.
Comment: This variant is classified as likely benign based on ACMG/AMP sequence variant interpretation guidelines (Richards et al. 2015 PMID: 25741868, with internal and published modifications).